The following is an entry in ClinVar:

NM_001330288.2(SMARCC2):c.3058G>C (p.Ala1020Pro)

Gene: SMARCC2 (SWI/SNF related, matrix associated, actin dependent regulator of chromatin subfamily c member 2; minus strand). Cytogenetic location: 12q13.2.
Variant type: single nucleotide variant.
Coding change: c.3058G>C on transcript NM_001330288.2 (MANE Select); coding-DNA position 3058, G replaced by C.
Protein change: p.Ala1020Pro; replaces alanine 1020 with proline.
Molecular consequence: missense variant.
Genome position (GRCh38, 1-based): chr12:56,165,492, C>G on the plus strand (G>C on the coding strand, the complement: SMARCC2 is on the minus strand). VCF-style: chr12-56165492-C-G. GRCh37 (hg19) VCF-style: chr12-56559276-C-G.
Other names: c.3058G>C, p.Ala1020Pro (NM_001130420.3, NM_139067.4); c.2965G>C, p.Ala989Pro (NM_003075.5); short protein forms A1020P, A989P.
Identifiers: ClinVar variation 1679607 (VCV001679607.1), dbSNP rs762674487, ClinGen allele CA385339654.

ClinVar aggregate classification (germline): Uncertain significance (1 of 4 stars; one submission).

Conditions:
Coffin-Siris syndrome 8. Identifiers: MedGen C5193054, MONDO:0032702, OMIM 618362.

Allele frequency attached by ClinVar (database versions not stated): TOPMed below 0.00001.

Submission:

New York Genome Center
Classification: Uncertain significance for Coffin-Siris syndrome 8. Last evaluated: 2021-05-20. Review status: criteria provided, single submitter. Criteria: NYGC Assertion Criteria 2020. Collection method: clinical testing. Allele origin: germline. Observed: 1 heterozygote. Study: CSER-NYCKidSeq.
Comment: The heterozygous c.3058G>C, p.Ala1020Pro missense variant in SMARCC2 has not been reported in affected individuals in the available literature. This variant is absent in gnomAD v3 indicating it is not a common benign variant in the populations represented in this database. In silico tools predict a conflicting interpretation of pathogenicity. Given the conflicting in silico predictions, lack of inheritance data and functional studies supporting its pathogenicity, the c.3058G>C, p.Ala1020Pro variant identified in the SMARCC2 gene is reported as a Variant of Uncertain Significance.